The following is an entry in ClinVar:

NM_000321.3(RB1):c.111C>T (p.Ser37=)

Gene: RB1 (RB transcriptional corepressor 1; plus strand). Cytogenetic location: 13q14.2.
Variant type: single nucleotide variant.
Coding change: c.111C>T on transcript NM_000321.3 (MANE Select); coding-DNA position 111, C replaced by T.
Protein change: p.Ser37=; no amino-acid change (serine 37 retained).
Molecular consequence: synonymous variant.
Genome position (GRCh38, 1-based): chr13:48,304,023, C>T. VCF-style: chr13-48304023-C-T. GRCh37 (hg19) VCF-style: chr13-48878159-C-T.
Identifiers: ClinVar variation 730474 (VCV000730474.13), dbSNP rs1411090163, ClinGen allele CA483711645.
Genomic context (GRCh38, chr13:48,304,023, plus strand): 5'-CGCGGAACCCCCGGCACCGCCGCCGCCGCCCCCTCCTGAGGAGGACCCAGAGCAGGACAG[C>T]GGCCCGGAGGACCTGCCTCTCGTCAGGTGAGCGAGCAGAGCCGCCGTCGCCTCACGCGGG-3'
Protein context (NP_000312.2, residues 27-47): PPPEEDPEQD[Ser37=]GPEDLPLVRL

ClinVar aggregate classification (germline): Benign/Likely benign. Review status: criteria provided, multiple submitters, no conflicts (2 of 4 stars). 3 submissions from 3 submitters: Benign (1); Likely benign (2). Last evaluated 2026-06-23.

Conditions:
Retinoblastoma (RB1). Also called: RETINOBLASTOMA, SOMATIC. Identifiers: Orphanet 790, MedGen C0035335, MeSH D012175, MONDO:0008380, OMIM 180200, HP:0009919. Disease mechanism: loss of function. Inheritance: Both sporadic and heritable forms are tested..
Hereditary cancer-predisposing syndrome. Also called: Hereditary Cancer Syndrome; Hereditary neoplastic syndrome; Neoplastic Syndromes, Hereditary; Tumor predisposition. Identifiers: Orphanet 140162, MedGen C0027672, MeSH D009386, MONDO:0015356.

Submissions (3):

Myriad Genetics, Inc.
Classification: Benign for Retinoblastoma. Last evaluated: 2026-06-23. Review status: criteria provided, single submitter. Criteria: Myriad Autosomal Dominant, Autosomal Recessive and X-Linked Classification Criteria (2023). Collection method: clinical testing. Allele origin: unknown.
Comment: This variant is considered benign. This variant is a silent/synonymous amino acid change and it is not expected to impact splicing.

Labcorp Genetics (formerly Invitae), Labcorp
Classification: Likely benign for Retinoblastoma. Last evaluated: 2025-04-02. Review status: criteria provided, single submitter. Criteria: Invitae Variant Classification Sherloc (09022015). Collection method: clinical testing. Allele origin: germline.

Ambry Genetics
Classification: Likely benign for Hereditary cancer-predisposing syndrome. Last evaluated: 2018-08-23. Review status: criteria provided, single submitter. Criteria: Ambry Variant Classification Scheme 2023. Collection method: clinical testing. Allele origin: germline.